The following is an entry in ClinVar:

ClinVar aggregate classification (germline): Uncertain significance (1 of 4 stars; one submission).

Allele frequency attached by ClinVar (database versions not stated): ExAC 0.00001; TOPMed 0.00001; ESP Exome Variant Server 0.00008.
gnomAD v4.1: 3 of 1,613,788 alleles (0.00019%); highest among the groups gnomAD compares: Non-Finnish European, 0.00017%; no homozygotes.

Submission:

Labcorp Genetics (formerly Invitae), Labcorp
Classification: Uncertain significance. Last evaluated: 2020-07-01. Review status: criteria provided, single submitter. Criteria: Invitae Variant Classification Sherloc (09022015). Collection method: clinical testing. Allele origin: germline.
Comment: In summary, the available evidence is currently insufficient to determine the role of this variant in disease. Therefore, it has been classified as a Variant of Uncertain Significance. Algorithms developed to predict the effect of missense changes on protein structure and function are either unavailable or do not agree on the potential impact of this missense change (SIFT: "Tolerated"; PolyPhen-2: "Possibly Damaging"; Align-GVGD: "Class C0"). This variant has not been reported in the literature in individuals with GRM6-related conditions. This variant is present in population databases (rs371175421, ExAC 0.002%). This sequence change replaces glycine with arginine at codon 242 of the GRM6 protein (p.Gly242Arg). The glycine residue is highly conserved and there is a moderate physicochemical difference between glycine and arginine.

NM_000843.4(GRM6):c.724G>A (p.Gly242Arg)

Gene: GRM6 (glutamate metabotropic receptor 6; minus strand). Cytogenetic location: 5q35.3.
Variant type: single nucleotide variant.
Coding change: c.724G>A on transcript NM_000843.4 (MANE Select); coding-DNA position 724, G replaced by A.
Protein change: p.Gly242Arg; replaces glycine 242 with arginine.
Molecular consequence: missense variant.
Genome position (GRCh38, 1-based): chr5:178,991,557, C>T on the plus strand (G>A on the coding strand, the complement: GRM6 is on the minus strand). VCF-style: chr5-178991557-C-T. GRCh37 (hg19) VCF-style: chr5-178418558-C-T.
Other names: short protein forms G242R.
Identifiers: ClinVar variation 1010081 (VCV001010081.8), dbSNP rs371175421, ClinGen allele CA3594365.
Genomic context (GRCh38, chr5:178,991,557, plus strand): 5'-TGCTGAACTCTCCTGGCTTTGGTTCCCTGGGAATCTTGATAGACTGGGCAATACAGACCC[C>T]CCCTGGGCGTTGGGGGTGCCAGAGTCAGCTTCCGTCCCACCCACCCACACACCCACCTGG-3'
Protein context (NP_000834.2, residues 232-252): AFVQISREAG[Gly242Arg]VCIAQSIKIP